The following is an entry in ClinVar:

ClinVar aggregate classification (germline): Uncertain significance (1 of 4 stars; one submission).

Submission:

GeneDx
Classification: Uncertain significance. Last evaluated: 2025-05-19. Review status: criteria provided, single submitter. Criteria: GeneDx Variant Classification Process June 2021. Collection method: clinical testing. Allele origin: germline. Affected: yes.
Comment: Not observed at significant frequency in large population cohorts (gnomAD); In silico analysis suggests that this missense variant does not alter protein structure/function; Has not been previously published as pathogenic or benign to our knowledge

NM_198525.3(KIF7):c.2452G>C (p.Glu818Gln)

Gene: KIF7 (kinesin family member 7; minus strand). Cytogenetic location: 15q26.1.
Variant type: single nucleotide variant.
Coding change: c.2452G>C on transcript NM_198525.3 (MANE Select); coding-DNA position 2452, G replaced by C.
Protein change: p.Glu818Gln; replaces glutamic acid 818 with glutamine.
Molecular consequence: missense variant.
Genome position (GRCh38, 1-based): chr15:89,633,826, C>G on the plus strand (G>C on the coding strand, the complement: KIF7 is on the minus strand). VCF-style: chr15-89633826-C-G. GRCh37 (hg19) VCF-style: chr15-90177057-C-G.
Other names: short protein forms E818Q.
Identifiers: ClinVar variation 4530936 (VCV004530936.1).
Genomic context (GRCh38, chr15:89,633,826, plus strand): 5'-GCTGTCCCTGCTGCTGCCGCATGAGCTGCACGTTCCGCTCGAGCTCCTGCAGTCGCTTCT[C>G]ACTCTGGGCCGACAGTGACACCAGCCGCTCCGTAGCCTGCTTCTTCTCCTTCAGCACCTG-3'
Protein context (NP_940927.2, residues 808-828): ERLVSLSAQS[Glu818Gln]KRLQELERNV